The following is an entry in ClinVar:

ClinVar aggregate classification (germline): Uncertain significance (1 of 4 stars; one submission).

Conditions:
Fanconi anemia (FA). Also called: Fanconi's anemia. Identifiers: Orphanet 84, MedGen C0015625, MeSH D005199, MONDO:0019391.

Allele frequency attached by ClinVar (database versions not stated): TOPMed below 0.00001; gnomAD 0.00001; gnomAD exomes 0.00001.
gnomAD v4.1: 10 of 1,614,026 alleles (0.00062%); highest among the groups gnomAD compares: Non-Finnish European, 0.00085%; no homozygotes.

Submission:

Labcorp Genetics (formerly Invitae), Labcorp
Classification: Uncertain significance for Fanconi anemia. Last evaluated: 2024-05-08. Review status: criteria provided, single submitter. Criteria: Invitae Variant Classification Sherloc (09022015). Collection method: clinical testing. Allele origin: germline.
Comment: This sequence change replaces phenylalanine, which is neutral and non-polar, with isoleucine, which is neutral and non-polar, at codon 200 of the FANCL protein (p.Phe200Ile). This variant is not present in population databases (gnomAD no frequency). This variant has not been reported in the literature in individuals affected with FANCL-related conditions. ClinVar contains an entry for this variant (Variation ID: 1506562). Advanced modeling of protein sequence and biophysical properties (such as structural, functional, and spatial information, amino acid conservation, physicochemical variation, residue mobility, and thermodynamic stability) performed at Invitae indicates that this missense variant is expected to disrupt FANCL protein function with a positive predictive value of 80%. In summary, the available evidence is currently insufficient to determine the role of this variant in disease. Therefore, it has been classified as a Variant of Uncertain Significance.

NM_018062.4(FANCL):c.598T>A (p.Phe200Ile)

Gene: FANCL (FA complementation group L; minus strand). Cytogenetic location: 2p16.1.
Variant type: single nucleotide variant.
Coding change: c.598T>A on transcript NM_018062.4 (MANE Select); coding-DNA position 598, T replaced by A.
Protein change: p.Phe200Ile; replaces phenylalanine 200 with isoleucine.
Molecular consequence: missense variant.
Genome position (GRCh38, 1-based): chr2:58,165,817, A>T on the plus strand (T>A on the coding strand, the complement: FANCL is on the minus strand). VCF-style: chr2-58165817-A-T. GRCh37 (hg19) VCF-style: chr2-58392952-A-T.
Other names: c.613T>A, p.Phe205Ile (NM_001114636.2); c.643T>A, p.Phe215Ile (NM_001374615.1); c.658T>A, p.Phe220Ile (NM_001410792.1); short protein forms F215I, F205I, F200I, F220I.
Identifiers: ClinVar variation 1506562 (VCV001506562.7), dbSNP rs199660431, ClinGen allele CA48358522.